The following is an entry in ClinVar:

NM_004656.4(BAP1):c.169C>T (p.Arg57Trp)

Gene: BAP1 (BRCA1 associated deubiquitinase 1; minus strand). Cytogenetic location: 3p21.1.
Variant type: single nucleotide variant.
Coding change: c.169C>T on transcript NM_004656.4 (MANE Select); coding-DNA position 169, C replaced by T.
Protein change: p.Arg57Trp; replaces arginine 57 with tryptophan.
Molecular consequence: missense variant.
Genome position (GRCh38, 1-based): chr3:52,408,560, G>A on the plus strand (C>T on the coding strand, the complement: BAP1 is on the minus strand). VCF-style: chr3-52408560-G-A. GRCh37 (hg19) VCF-style: chr3-52442576-G-A.
Other names: c.169C>T, p.Arg57Trp (NM_001410772.1); short protein forms R57W.
Identifiers: ClinVar variation 3224440 (VCV003224440.2), dbSNP rs1397771498, ClinGen allele CA353113503.

ClinVar aggregate classification (germline): Uncertain significance. Review status: criteria provided, multiple submitters, no conflicts (2 of 4 stars). 2 submissions from 2 submitters: Uncertain significance (2). Last evaluated 2025-12-24.

Conditions:
Hereditary cancer-predisposing syndrome. Also called: Tumor predisposition; Hereditary neoplastic syndrome; Hereditary Cancer Syndrome; Neoplastic Syndromes, Hereditary. Identifiers: Orphanet 140162, MedGen C0027672, MeSH D009386, MONDO:0015356.
BAP1-related tumor predisposition syndrome (TPDS1). Also called: Tumor susceptibility linked to germline BAP1 mutations; BAP1 tumor predisposition syndrome; TUMOR PREDISPOSITION SYNDROME 1; COMMON Syndrome. Identifiers: Orphanet 289539, MedGen C3280492, MONDO:0013692, OMIM 614327.

Allele frequency attached by ClinVar (database versions not stated): gnomAD exomes below 0.00001.

Submissions (2):

Labcorp Genetics (formerly Invitae), Labcorp
Classification: Uncertain significance for BAP1-related tumor predisposition syndrome. Last evaluated: 2025-12-24. Review status: criteria provided, single submitter. Criteria: Invitae Variant Classification Sherloc (09022015). Collection method: clinical testing. Allele origin: germline.
Comment: This sequence change replaces arginine, which is basic and polar, with tryptophan, which is neutral and slightly polar, at codon 57 of the BAP1 protein (p.Arg57Trp). This variant is not present in population databases (gnomAD no frequency). This variant has not been reported in the literature in individuals affected with BAP1-related conditions. ClinVar contains an entry for this variant (Variation ID: 3224440). Invitae Evidence Modeling of protein sequence and biophysical properties (such as structural, functional, and spatial information, amino acid conservation, physicochemical variation, residue mobility, and thermodynamic stability) has been performed for this missense variant. However, the output from this modeling did not meet the statistical confidence thresholds required to predict the impact of this variant on BAP1 protein function. In summary, the available evidence is currently insufficient to determine the role of this variant in disease. Therefore, it has been classified as a Variant of Uncertain Significance.

Ambry Genetics
Classification: Uncertain significance for Hereditary cancer-predisposing syndrome. Last evaluated: 2023-11-13. Review status: criteria provided, single submitter. Criteria: Ambry Variant Classification Scheme 2023. Collection method: clinical testing. Allele origin: germline.
Comment: The p.R57W variant (also known as c.169C>T), located in coding exon 4 of the BAP1 gene, results from a C to T substitution at nucleotide position 169. The arginine at codon 57 is replaced by tryptophan, an amino acid with dissimilar properties. This amino acid position is highly conserved in available vertebrate species. In addition, this alteration is predicted to be deleterious by in silico analysis. Since supporting evidence is limited at this time, the clinical significance of this alteration remains unclear.